The following is an entry in ClinVar:

ClinVar aggregate classification (germline): Conflicting classifications of pathogenicity. Review status: criteria provided, conflicting classifications (1 of 4 stars). 10 submissions from 10 submitters: Uncertain significance (2); Benign (2); Likely benign (4). 2 of the submissions do not count toward it. Last evaluated 2026-01-19.

Conditions:
Inborn genetic diseases. Identifiers: MedGen C0950123, MeSH D030342.
Deafness, autosomal dominant 39, with dentinogenesis imperfecta 1. Also called: DFNA39/DENTINOGENESIS IMPERFECTA 1 SYNDROME; DFNA39/DGI1 SYNDROME; DGI1/DFNA39 SYNDROME. Identifiers: Orphanet 166260, MedGen C1854146, MONDO:0011571, OMIM 605594.

Allele frequency attached by ClinVar (database versions not stated): 1000 Genomes Project 30x 0.00250; 1000 Genomes Project 0.00300; TOPMed 0.00332; ESP Exome Variant Server 0.00343; gnomAD 0.00345 and 0.00370; gnomAD exomes 0.00438 and 0.00513; ExAC 0.00455.

Submissions (10):

Labcorp Genetics (formerly Invitae), Labcorp
Classification: Benign. Last evaluated: 2026-01-19. Review status: criteria provided, single submitter. Criteria: Invitae Variant Classification Sherloc (09022015). Collection method: clinical testing. Allele origin: germline.

CeGaT Center for Human Genetics Tuebingen
Classification: Likely benign. Last evaluated: 2026-01-01. Review status: criteria provided, single submitter. Criteria: CeGaT Center For Human Genetics Tuebingen Variant Classification Criteria Version 2. Collection method: clinical testing. Allele origin: germline. Affected: yes. Observed: 5 variant alleles.
Comment: DSPP: BP4, BS2

Ambry Genetics
Classification: Uncertain significance for Inborn genetic diseases. Last evaluated: 2021-06-11. Review status: criteria provided, single submitter. Criteria: Ambry Variant Classification Scheme 2023. Collection method: clinical testing. Allele origin: germline.

GeneDx
Classification: Likely benign. Last evaluated: 2021-04-14. Review status: criteria provided, single submitter. Criteria: GeneDx Variant Classification Process June 2021. Collection method: clinical testing. Allele origin: germline. Affected: yes.

Athena Diagnostics
Classification: Benign. Last evaluated: 2019-12-09. Review status: criteria provided, single submitter. Criteria: Athena Diagnostics Criteria. Collection method: clinical testing. Allele origin: unknown.

Baylor Genetics
Classification: Uncertain significance for Deafness, autosomal dominant 39, with dentinogenesis imperfecta 1. Last evaluated: 2018-05-14. Review status: criteria provided, single submitter. Criteria: ACMG Guidelines, 2015. Collection method: clinical testing. Allele origin: maternal. Affected: yes.
Comment: This variant was determined to be of uncertain significance according to ACMG Guidelines, 2015 [PMID:25741868].

Eurofins Ntd Llc (ga)
Classification: Likely benign. Last evaluated: 2017-07-25. Review status: criteria provided, single submitter. Criteria: EGL Classification Definitions 2015. Collection method: clinical testing. Allele origin: germline. Observed: 1 variant allele, 1 heterozygote.

PreventionGenetics, part of Exact Sciences
Classification: Likely benign. Review status: criteria provided, single submitter. Criteria: ACMG Guidelines, 2015. Collection method: clinical testing. Allele origin: germline.

Clinical Genetics DNA and cytogenetics Diagnostics Lab, Erasmus MC, Erasmus Medical Center
Classification: Likely benign. Review status: no assertion criteria provided. Collection method: clinical testing. Allele origin: germline. Affected: yes. Study: VKGL Data-share Consensus. Not counted in ClinVar's aggregate classification.

Laboratory of Diagnostic Genome Analysis, Leiden University Medical Center (LUMC)
Classification: Likely benign. Review status: no assertion criteria provided. Collection method: clinical testing. Allele origin: germline. Affected: yes. Study: VKGL Data-share Consensus. Not counted in ClinVar's aggregate classification.

NM_014208.3(DSPP):c.1060C>T (p.Arg354Cys)

Genes: DMP1-AS1 (DMP1 and DSPP antisense RNA 1; minus strand), DSPP (dentin sialophosphoprotein; plus strand). Cytogenetic location: 4q22.1.
Variant type: single nucleotide variant.
Coding change: c.1060C>T on transcript NM_014208.3 (MANE Select); coding-DNA position 1060, C replaced by T.
Protein change: p.Arg354Cys; replaces arginine 354 with cysteine.
Molecular consequence: missense variant.
Genome position (GRCh38, 1-based): chr4:87,613,246, C>T. VCF-style: chr4-87613246-C-T. GRCh37 (hg19) VCF-style: chr4-88534398-C-T.
Other names: c.1060C>T, p.Arg354Cys (LRG_1242t1); short protein forms R354C.
Identifiers: ClinVar variation 260354 (VCV000260354.48), dbSNP rs61731011, ClinGen allele CA3001007.
Genomic context (GRCh38, chr4:87,613,246, plus strand): 5'-GAAGACAATGGCAGCCAAAGAATAGAGGACACCCAGAAGCTCAACCATAGAGAAAGCAAA[C>T]GCGTAGAAAATAGAATCACCAAAGAATCAGAGACACATGCTGTTGGGAAGAGCCAAGATA-3'
Protein context (NP_055023.2, residues 344-364): TQKLNHRESK[Arg354Cys]VENRITKESE